The following is an entry in ClinVar:

NM_033109.5(PNPT1):c.518-2del

Gene: PNPT1 (polyribonucleotide nucleotidyltransferase 1; minus strand). Cytogenetic location: 2p16.1.
Variant type: Deletion.
Coding change: c.518-2del on transcript NM_033109.5 (MANE Select); the canonical splice acceptor site of the intron before coding-DNA position 518, one base deleted (A; older notation c.518-2delA).
Molecular consequence: splice acceptor variant.
Genome position (GRCh38, 1-based): chr2:55,680,761, T deleted on the plus strand (A on the coding strand, the reverse complement: PNPT1 is on the minus strand); the first of 2 consecutive T bases (chr2:55,680,761-55,680,762); deleting either gives the same sequence. VCF-style (leftmost placement, unchanged base first): chr2-55680760-CT-C. GRCh37 (hg19) VCF-style: chr2-55907895-CT-C.
Identifiers: ClinVar variation 4985744 (VCV004985744.1).
Genomic context (GRCh38, chr2:55,680,760, plus strand): 5'-ATCCTAACTTACCAACAGGTCCATTCCAAGGAATATCTGATAATGAGAGGGCTACGGAAG[CT>C]TAAAAAAGGAGAAAAATCAGGGCCGAAATTAAAATTTCATTGCTTTAAAAAAATTTTTAA-3'

ClinVar aggregate classification (germline): Uncertain significance (1 of 4 stars; one submission).

Conditions:
PNPT1-related disorder. Also called: PNPT1-related condition; PNPT1-related disorders.

Submission:

PreventionGenetics, part of Exact Sciences
Classification: Uncertain significance for PNPT1-related condition. Last evaluated: 2024-12-20. Review status: criteria provided, single submitter. Criteria: ACMG Guidelines, 2015. Collection method: clinical testing. Allele origin: germline.
Comment: The PNPT1 c.518-2delA variant is predicted to result in a deletion affecting a canonical splice site. Although this variant occurs at the canonical splice acceptor site it is not predicted to impact splicing (SpliceAI, Jaganathan et al. 2019. PubMed ID: 30661751; Alamut Visual Plus v1.6.1). To our knowledge, this variant has not been reported in the literature or in a large population database (gnomAD), indicating this variant is rare. Although we suspect this variant may be benign, at this time the clinical significance of this variant is uncertain due to the absence of conclusive functional and genetic evidence.